The following is an entry in ClinVar:

NM_001364905.1(LRBA):c.5102C>T (p.Pro1701Leu)

Gene: LRBA (LPS responsive beige-like anchor protein; minus strand). Cytogenetic location: 4q31.3.
Variant type: single nucleotide variant.
Coding change: c.5102C>T on transcript NM_001364905.1 (MANE Select); coding-DNA position 5102, C replaced by T.
Protein change: p.Pro1701Leu; replaces proline 1701 with leucine.
Molecular consequence: missense variant.
Genome position (GRCh38, 1-based): chr4:150,828,249, G>A on the plus strand (C>T on the coding strand, the complement: LRBA is on the minus strand). VCF-style: chr4-150828249-G-A. GRCh37 (hg19) VCF-style: chr4-151749401-G-A.
Other names: c.5102C>T, p.Pro1701Leu (NM_001199282.3, NM_001367550.1, NM_006726.5); short protein forms P1701L.
Identifiers: ClinVar variation 1944059 (VCV001944059.5), dbSNP rs762799564, ClinGen allele CA358443592.
Genomic context (GRCh38, chr4:150,828,249, plus strand): 5'-GATCTGAACTGCACGGGTTGTTCCACAGATAGATCACCAAGGGCTCCAAGGCAGGCTGGT[G>A]GCAGAAGGGCAGGATCCACTGTGACTCCATCTGCTGGTATGTTAACCAAGCTTCGGAGAA-3'
Protein context (NP_001351834.1, residues 1691-1711): DGVTVDPALL[Pro1701Leu]PACLGALGDL

ClinVar aggregate classification (germline): Uncertain significance (1 of 4 stars; one submission).

Conditions:
Combined immunodeficiency due to LRBA deficiency. Also called: Common variable immunodeficiency 8, with autoimmunity. Identifiers: Orphanet 445018, MedGen C3553512, MONDO:0013863, OMIM 614700.

gnomAD v4.1: 5 of 1,614,138 alleles (0.00031%); highest among the groups gnomAD compares: Non-Finnish European, 0.00042%; no homozygotes.

Submission:

Labcorp Genetics (formerly Invitae), Labcorp
Classification: Uncertain significance for Combined immunodeficiency due to LRBA deficiency. Last evaluated: 2022-07-19. Review status: criteria provided, single submitter. Criteria: Invitae Variant Classification Sherloc (09022015). Collection method: clinical testing. Allele origin: germline.
Comment: In summary, the available evidence is currently insufficient to determine the role of this variant in disease. Therefore, it has been classified as a Variant of Uncertain Significance. Algorithms developed to predict the effect of missense changes on protein structure and function (SIFT, PolyPhen-2, Align-GVGD) all suggest that this variant is likely to be tolerated. This variant has not been reported in the literature in individuals affected with LRBA-related conditions. This variant is not present in population databases (gnomAD no frequency). This sequence change replaces proline, which is neutral and non-polar, with leucine, which is neutral and non-polar, at codon 1701 of the LRBA protein (p.Pro1701Leu).